The following is an entry in ClinVar:

ClinVar aggregate classification (germline): Uncertain significance (1 of 4 stars; one submission).

Conditions:
Inborn genetic diseases. Identifiers: MedGen C0950123, MeSH D030342.

Submission:

Ambry Genetics
Classification: Uncertain significance for Inborn genetic diseases. Last evaluated: 2026-07-01. Review status: criteria provided, single submitter. Criteria: Ambry Variant Classification Scheme 2023. Collection method: clinical testing. Allele origin: germline.
Comment: The p.M569T variant (also known as c.1706T>C), located in coding exon 18 of the FANCA gene, results from a T to C substitution at nucleotide position 1706. The methionine at codon 569 is replaced by threonine, an amino acid with similar properties. This amino acid position is conserved. In addition, this alteration is predicted to be deleterious by in silico analysis. Based on the available evidence, the clinical significance of this variant remains unclear.

NM_000135.4(FANCA):c.1706T>C (p.Met569Thr)

Gene: FANCA (FA complementation group A; minus strand). Cytogenetic location: 16q24.3.
Variant type: single nucleotide variant.
Coding change: c.1706T>C on transcript NM_000135.4 (MANE Select); coding-DNA position 1706, T replaced by C.
Protein change: p.Met569Thr; replaces methionine 569 with threonine.
Molecular consequence: missense variant.
Genome position (GRCh38, 1-based): chr16:89,779,878, A>G on the plus strand (T>C on the coding strand, the complement: FANCA is on the minus strand). VCF-style: chr16-89779878-A-G. GRCh37 (hg19) VCF-style: chr16-89846286-A-G.
Other names: c.1706T>C, p.Met569Thr (NM_001286167.3); short protein forms M569T.
Identifiers: ClinVar variation 5036332 (VCV005036332.1).
Genomic context (GRCh38, chr16:89,779,878, plus strand): 5'-CGGTCTGCACACACTGCAGCTGCTAGAGGCCTTTTCGGCAGCCCAGCCTACCTGGCCTCC[A>G]TGACGGTGACTGGGATGTTCCCCGTATGCTCAAACACCATGATGGCCTTTTCAACATCCT-3'
Protein context (NP_000126.2, residues 559-579): EHTGNIPVTV[Met569Thr]EASIFRRPYY